The following is an entry in ClinVar:

NM_001013838.3(CARMIL2):c.2404G>A (p.Glu802Lys)

Gene: CARMIL2 (capping protein regulator and myosin 1 linker 2; plus strand). Cytogenetic location: 16q22.1.
Variant type: single nucleotide variant.
Coding change: c.2404G>A on transcript NM_001013838.3 (MANE Select); coding-DNA position 2404, G replaced by A.
Protein change: p.Glu802Lys; replaces glutamic acid 802 with lysine.
Molecular consequence: missense variant.
Genome position (GRCh38, 1-based): chr16:67,651,491, G>A. VCF-style: chr16-67651491-G-A. GRCh37 (hg19) VCF-style: chr16-67685394-G-A.
Other names: c.2296G>A, p.Glu766Lys (NM_001317026.3); short protein forms E766K, E802K.
Identifiers: ClinVar variation 2068189 (VCV002068189.4), dbSNP rs1180363542, ClinGen allele CA396340961.

ClinVar aggregate classification (germline): Uncertain significance (1 of 4 stars; one submission).

Allele frequency attached by ClinVar (database versions not stated): gnomAD exomes 0.00001; TOPMed 0.00002; gnomAD 0.00003.
gnomAD v4.1: 14 of 1,593,978 alleles (0.00088%); highest among the groups gnomAD compares: African/African-American, 0.0067%; no homozygotes.

Submission:

Labcorp Genetics (formerly Invitae), Labcorp
Classification: Uncertain significance. Last evaluated: 2022-05-29. Review status: criteria provided, single submitter. Criteria: Invitae Variant Classification Sherloc (09022015). Collection method: clinical testing. Allele origin: germline.
Comment: This sequence change replaces glutamic acid, which is acidic and polar, with lysine, which is basic and polar, at codon 802 of the CARMIL2 protein (p.Glu802Lys). The frequency data for this variant in the population databases is considered unreliable, as metrics indicate poor data quality at this position in the gnomAD database. This variant has not been reported in the literature in individuals affected with CARMIL2-related conditions. Algorithms developed to predict the effect of missense changes on protein structure and function output the following: SIFT: "Tolerated"; PolyPhen-2: "Benign"; Align-GVGD: "Class C0". The lysine amino acid residue is found in multiple mammalian species, which suggests that this missense change does not adversely affect protein function. In summary, the available evidence is currently insufficient to determine the role of this variant in disease. Therefore, it has been classified as a Variant of Uncertain Significance.